The following is an entry in ClinVar:

NM_000257.4(MYH7):c.2954T>G (p.Leu985Arg)

Gene: MYH7 (myosin heavy chain 7; minus strand). Cytogenetic location: 14q11.2.
Variant type: single nucleotide variant.
Coding change: c.2954T>G on transcript NM_000257.4 (MANE Select); coding-DNA position 2954, T replaced by G.
Protein change: p.Leu985Arg; replaces leucine 985 with arginine.
Molecular consequence: missense variant.
Genome position (GRCh38, 1-based): chr14:23,423,692, A>C on the plus strand (T>G on the coding strand, the complement: MYH7 is on the minus strand). VCF-style: chr14-23423692-A-C. GRCh37 (hg19) VCF-style: chr14-23892901-A-C.
Other names: c.2954T>G, p.Leu985Arg (NM_001407004.1); short protein forms L985R.
Identifiers: ClinVar variation 4531179 (VCV004531179.1).
Genomic context (GRCh38, chr14:23,423,692, plus strand): 5'-TGTTGGTGGGCCTCTTGCAGAGCTTTCTTCTCCTTGGTCAGCTTGGCAATGATCTCATCC[A>C]GCCCAGCCATCTCCTCTGTCAGGTTTTTCACCTGCCGACCAAGAATCCCATCTCCTTTAG-3'
Protein context (NP_000248.2, residues 975-995): VKNLTEEMAG[Leu985Arg]DEIIAKLTKE

ClinVar aggregate classification (germline): Uncertain significance (1 of 4 stars; one submission).

Conditions:
Abnormal cardiac ventricular function. Identifiers: MedGen C4280733, HP:0030872.

Submission:

Clinical Genetics Laboratory, Skane University Hospital Lund
Classification: Uncertain significance for Abnormal cardiac ventricular function. Last evaluated: 2025-11-25. Review status: criteria provided, single submitter. Criteria: ACMG Guidelines, 2015. Collection method: clinical testing. Allele origin: germline. Affected: yes.
Comment: Classified according to ClinGen Cardiomyopathy Expert Panel Specifications to the ACMG/AMP Variant Interpretation Guidelines for MYH7 Version 2.0.0: PM2_supporting and PP3.